The following is an entry in ClinVar:

ClinVar aggregate classification (germline): Uncertain significance (1 of 4 stars; one submission).

Conditions:
POLG-related disorder. Also called: POLG-Related Spectrum Disorders; POLG-related condition; POLG-Related Disorders. Identifiers: MedGen C4763519.

Submission:

PreventionGenetics, part of Exact Sciences
Classification: Uncertain significance for POLG-related condition. Last evaluated: 2024-12-17. Review status: criteria provided, single submitter. Criteria: ACMG Guidelines, 2015. Collection method: clinical testing. Allele origin: germline.
Comment: The POLG c.2193C>G variant is predicted to result in the amino acid substitution p.Ser731Arg. To our knowledge, this variant has not been reported in the literature or in a large population database (gnomAD), indicating this variant is rare. At this time, the clinical significance of this variant is uncertain due to the absence of conclusive functional and genetic evidence.

NM_002693.3(POLG):c.2193C>G (p.Ser731Arg)

Gene: POLG (DNA polymerase gamma, catalytic subunit; minus strand). Cytogenetic location: 15q26.1.
Variant type: single nucleotide variant.
Coding change: c.2193C>G on transcript NM_002693.3 (MANE Select); coding-DNA position 2193, C replaced by G.
Protein change: p.Ser731Arg; replaces serine 731 with arginine.
Molecular consequence: missense variant.
Genome position (GRCh38, 1-based): chr15:89,323,476, G>C on the plus strand (C>G on the coding strand, the complement: POLG is on the minus strand). VCF-style: chr15-89323476-G-C. GRCh37 (hg19) VCF-style: chr15-89866707-G-C.
Other names: c.2193C>G, p.Ser731Arg (NM_001126131.2); short protein forms S731R.
Identifiers: ClinVar variation 2629837 (VCV002629837.2), dbSNP rs2509230241, ClinGen allele CA393756819.